The following is an entry in ClinVar:

NM_001267550.2(TTN):c.29543G>A (p.Arg9848Gln)

Gene: TTN (titin; minus strand). Cytogenetic location: 2q31.2.
Variant type: single nucleotide variant.
Coding change: c.29543G>A on transcript NM_001267550.2 (MANE Select); coding-DNA position 29543, G replaced by A.
Protein change: p.Arg9848Gln; replaces arginine 9848 with glutamine.
Molecular consequence: missense variant. On other transcripts: intron variant (3).
Genome position (GRCh38, 1-based): chr2:178,705,235, C>T on the plus strand (G>A on the coding strand, the complement: TTN is on the minus strand). VCF-style: chr2-178705235-C-T. GRCh37 (hg19) VCF-style: chr2-179569962-C-T.
Other names: c.25811G>A, p.Arg8604Gln (NM_133378.4); c.13282+32847G>A (NM_003319.4); c.13858+32847G>A (NM_133437.4); c.13657+32847G>A (NM_133432.3); c.28592G>A, p.Arg9531Gln (NM_001256850.1); short protein forms R8604Q, R9531Q, R9848Q.
Identifiers: ClinVar variation 1303086 (VCV001303086.6), dbSNP rs773444238, ClinGen allele CA1999362.
Genomic context (GRCh38, chr2:178,705,235, plus strand): 5'-AGTCTATGTGTCTCTTCTTCTTGGCTTTGCTTGAGCAGTTCAAATGCTTGAAGAAGACCT[C>T]GGAAGTCAGTGATTCCATACATGCGGGCATATTTTTCATATTCTTTAGGATCAACATTTT-3'
Protein context (NP_001254479.2, residues 9838-9858): YARMYGITDF[Arg9848Gln]GLLQAFELLK

ClinVar aggregate classification (germline): Uncertain significance. Review status: criteria provided, multiple submitters, no conflicts (2 of 4 stars). 2 submissions from 2 submitters: Uncertain significance (2). Last evaluated 2026-06-01.

Allele frequency attached by ClinVar (database versions not stated): gnomAD 0.00001; gnomAD exomes 0.00001 and 0.00002; ExAC 0.00003.
gnomAD v4.1: 29 of 1,613,572 alleles (0.0018%); highest among the groups gnomAD compares: East Asian, 0.02%; no homozygotes.

Submissions (2):

CeGaT Center for Human Genetics Tuebingen
Classification: Uncertain significance. Last evaluated: 2026-06-01. Review status: criteria provided, single submitter. Criteria: CeGaT Center For Human Genetics Tuebingen Variant Classification Criteria Version 2. Collection method: clinical testing. Allele origin: germline. Affected: yes. Observed: 1 variant allele.
Comment: TTN: PP3

GeneDx
Classification: Uncertain significance. Last evaluated: 2021-04-09. Review status: criteria provided, single submitter. Criteria: GeneDx Variant Classification Process June 2021. Collection method: clinical testing. Allele origin: germline. Affected: yes.
Comment: Identified in a patient with HCM in the published literature and segregated with disease in this individual's affected son (Arimura et al., 2009); Not observed at a significant frequency in large population cohorts (Lek et al., 2016); Published functional studies suggest this variant may lead to abnormal binding and localization of the cardiac ankyrin repeat protein (CARP) (Arimura et al., 2009); however more evidence is needed to establish it's role in the pathogenesis of HCM; Missense variant in a gene in which most reported pathogenic variants are truncating/loss-of-function; This variant is associated with the following publications: (PMID: 19608031)